The following is an entry in ClinVar:

NM_001001331.4(ATP2B2):c.294C>T (p.Leu98=)

Gene: ATP2B2 (ATPase plasma membrane Ca2+ transporting 2; minus strand). Cytogenetic location: 3p25.3.
Variant type: single nucleotide variant.
Coding change: c.294C>T on transcript NM_001001331.4 (MANE Select); coding-DNA position 294, C replaced by T.
Protein change: p.Leu98=; no amino-acid change (leucine 98 retained).
Molecular consequence: synonymous variant.
Genome position (GRCh38, 1-based): chr3:10,410,721, G>A on the plus strand (C>T on the coding strand, the complement: ATP2B2 is on the minus strand). VCF-style: chr3-10410721-G-A. GRCh37 (hg19) VCF-style: chr3-10452405-G-A.
Other names: c.294C>T, p.Leu98= (NM_001330611.3, NM_001353564.1, NM_001363862.1 and 1 more transcripts).
Identifiers: ClinVar variation 3345896 (VCV003345896.3).

ClinVar aggregate classification (germline): Benign. Review status: criteria provided, single submitter (1 of 4 stars). 2 submissions from 2 submitters: Benign (1). 1 of the submissions does not count toward it. Last evaluated 2025-12-07.

Conditions:
ATP2B2-related disorder. Also called: ATP2B2-related condition.

gnomAD v4.1: 307 of 1,614,192 alleles (0.019%); highest among the groups gnomAD compares: Middle Eastern, 0.033%; no homozygotes.

Submissions (2):

Labcorp Genetics (formerly Invitae), Labcorp
Classification: Benign. Last evaluated: 2025-12-07. Review status: criteria provided, single submitter. Criteria: Invitae Variant Classification Sherloc (09022015). Collection method: clinical testing. Allele origin: germline.

PreventionGenetics, part of Exact Sciences
Classification: Likely benign for ATP2B2-related condition. Last evaluated: 2024-09-05. Review status: no assertion criteria provided. Collection method: clinical testing. Allele origin: germline. Not counted in ClinVar's aggregate classification.
Comment: This variant is classified as likely benign based on ACMG/AMP sequence variant interpretation guidelines (Richards et al. 2015 PMID: 25741868, with internal and published modifications).